The following is an entry in ClinVar:

ClinVar aggregate classification (germline): Uncertain significance (1 of 4 stars; one submission).

Conditions:
Hereditary cancer-predisposing syndrome. Also called: Neoplastic Syndromes, Hereditary; Tumor predisposition; Hereditary neoplastic syndrome; Hereditary Cancer Syndrome. Identifiers: Orphanet 140162, MedGen C0027672, MeSH D009386, MONDO:0015356.

gnomAD v4.1: 1 of 1,614,028 alleles (0.000062%); highest among the groups gnomAD compares: Non-Finnish European, 0.000085%; no homozygotes.

Submission:

Ambry Genetics
Classification: Uncertain significance for Hereditary cancer-predisposing syndrome. Last evaluated: 2026-06-25. Review status: criteria provided, single submitter. Criteria: Ambry Variant Classification Scheme 2023. Collection method: clinical testing. Allele origin: germline.
Comment: The c.3561C>T variant (also known as p.F1187F), located in coding exon 29 of the POLE gene, results from a C to T substitution at nucleotide position 3561. This nucleotide substitution does not change the amino acid at codon 1187. This nucleotide position is poorly conserved in available vertebrate species. In silico splice site analysis predicts that this alteration may result in the creation or strengthening of a novel splice donor site. Based on the available evidence, the clinical significance of this variant remains unclear.

NM_006231.4(POLE):c.3561C>T (p.Phe1187=)

Gene: POLE (DNA polymerase epsilon, catalytic subunit; minus strand). Cytogenetic location: 12q24.33.
Variant type: single nucleotide variant.
Coding change: c.3561C>T on transcript NM_006231.4 (MANE Select); coding-DNA position 3561, C replaced by T.
Protein change: p.Phe1187=; no amino-acid change (phenylalanine 1187 retained).
Molecular consequence: synonymous variant.
Genome position (GRCh38, 1-based): chr12:132,657,157, G>A on the plus strand (C>T on the coding strand, the complement: POLE is on the minus strand). VCF-style: chr12-132657157-G-A. GRCh37 (hg19) VCF-style: chr12-133233743-G-A.
Identifiers: ClinVar variation 5027052 (VCV005027052.1).
Genomic context (GRCh38, chr12:132,657,157, plus strand): 5'-AGGATCCCGCCCAGCCCAGCCTTGGGGCCCCACCGTCACCTGTCTCCTGCCCTCCAGGGT[G>A]AAGAGCTCACTGATCTTCTTCTGCTTGTAGACATCATTCTTCTCCAGCAGTTTTTTGTGC-3'
Protein context (NP_006222.2, residues 1177-1197): VYKQKKISEL[Phe1187=]TLEGRRQVTM